The following is an entry in ClinVar:

NM_001369.3(DNAH5):c.6159_6160insTCTCTTATAC (p.Thr2054fs)

Gene: DNAH5 (dynein axonemal heavy chain 5; minus strand). Cytogenetic location: 5p15.2.
Variant type: Insertion.
Coding change: c.6159_6160insTCTCTTATAC on transcript NM_001369.3 (MANE Select); coding-DNA positions 6159 to 6160, TCTCTTATAC inserted.
Protein change: p.Thr2054fs; shifts the reading frame from threonine 2054.
Molecular consequence: frameshift variant.
Genome position: GRCh38 VCF-style: chr5-13830115-T-TGTATAAGAGA. GRCh37 (hg19) VCF-style: chr5-13830224-T-TGTATAAGAGA.
Other names: short protein forms T2054fs.
Identifiers: ClinVar variation 5011209 (VCV005011209.1).
Genomic context (GRCh38, chr5:13,830,115, plus strand): 5'-TCATAGTCACATTATCTCCATCAGTAAAGATAAAAGACTTTTTGTGCTCCTTTTTACATG[T>TGTATAAGAGA]CAGAATAATGGAAATTTGCTGGGCTGCAACCGAGAGAACTGGTAGATCAATACGGTTAAA-3'

ClinVar aggregate classification (germline): Pathogenic (1 of 4 stars; one submission).

Conditions:
Primary ciliary dyskinesia 3. Identifiers: Orphanet 244, MedGen C1837618, MONDO:0012085, OMIM 608644.

Submission:

Myriad Genetics, Inc.
Classification: Pathogenic for Primary ciliary dyskinesia 3. Last evaluated: 2024-05-14. Review status: criteria provided, single submitter. Criteria: Myriad Autosomal Dominant, Autosomal Recessive and X-Linked Classification Criteria (2023). Collection method: clinical testing. Allele origin: unknown.
Comment: NM_001369.2(DNAH5):c.6159_6160ins10(T2054Sfs*6) is expected to be pathogenic in the context of primary ciliary dyskinesia, DNAH5-related. This variant is predicted to lead to an abnormal or absent protein product due to the creation of a premature termination codon in DNAH5, a gene where loss-of-function variants are known to be pathogenic. Please note: this variant was assessed in the context of healthy population screening.